The following is an entry in ClinVar:

NM_000091.5(COL4A3):c.1409-5T>G

Genes: COL4A3 (collagen type IV alpha 3 chain; plus strand), MFF-DT (MFF divergent transcript; minus strand). Cytogenetic location: 2q36.3.
Variant type: single nucleotide variant.
Coding change: c.1409-5T>G on transcript NM_000091.5 (MANE Select); 5 bases into the intron before coding-DNA position 1409, T replaced by G.
Molecular consequence: intron variant.
Genome position (GRCh38, 1-based): chr2:227,266,988, T>G. VCF-style: chr2-227266988-T-G. GRCh37 (hg19) VCF-style: chr2-228131704-T-G.
Identifiers: ClinVar variation 3376250 (VCV003376250.1).

ClinVar aggregate classification (germline): Uncertain significance (1 of 4 stars; one submission).

Conditions:
Autosomal dominant Alport syndrome (ATS3A). Also called: Alport syndrome dominant type; Renal failure and sensorineural hearing loss; ALPORT SYNDROME 3A, AUTOSOMAL DOMINANT. Identifiers: Orphanet 63, Orphanet 88918, MedGen C5882663, MONDO:0007086, OMIM 104200.

Submission:

Pittsburgh Clinical Genomics Laboratory, University of Pittsburgh Medical Center
Classification: Uncertain significance for Autosomal dominant Alport syndrome. Last evaluated: 2023-07-05. Review status: criteria provided, single submitter. Criteria: ACMG Guidelines, 2015. Collection method: clinical testing. Allele origin: germline. Inheritance: Autosomal unknown. Affected: yes.
Comment: This sequence variant is a single nucelotide substitution (T>G) 5 nucleotides upstream of exon 23 of the COL4A3 gene within the intron 22 splice region. This variant has not been previously reported in databases of clinically annotated variants, but is observed in the literature in a homozygous individual with Alport syndrome with carrier family members who had hematuria (PMID: 17216251, 24052634). This variant is absent from the gnomAD population database (0 of ~250,000 alleles). Bioinformatic tools that assess splice site strength predict that this variant will have a moderate effect on exon splicing at this position and this nucleotide is well conserved across the species examined. Functiol studies testing the effect of this variant on gene splicing have not been performed, to our knowledge. At this time, there is insufficient evidence to determine if this variant is pathogenic or benign. Therefore, we consider this to be a variant of uncertain significance. ACMG Criteria: PM2, PP1

Literature cited by the submitters: PubMed 17216251; PubMed 24052634.